The following is an entry in ClinVar:

ClinVar aggregate classification (germline): Uncertain significance. Review status: criteria provided, multiple submitters, no conflicts (2 of 4 stars). 5 submissions from 5 submitters: Uncertain significance (4). 1 of the submissions does not count toward it. Last evaluated 2025-12-22.

Conditions:
Familial cancer of breast. Also called: Hereditary breast cancer; BREAST CANCER, FAMILIAL; hereditary breast carcinoma. Identifiers: Orphanet 227535, MedGen C0346153, MONDO:0016419, OMIM 114480. Disease mechanism: loss of function.
Ataxia-telangiectasia syndrome (AT). Also called: Ataxia-telangiectasia; Cerebello-oculocutaneous telangiectasia; Immunodeficiency with ataxia telangiectasia; ATAXIA-TELANGIECTASIA, COMPLEMENTATION GROUP A; ATAXIA-TELANGIECTASIA, FRESNO VARIANT; Ataxia-telangiectasia, complementation group D. Identifiers: Orphanet 100, MedGen C0004135, MONDO:0008840, OMIM 208900.
Hereditary cancer-predisposing syndrome. Also called: Tumor predisposition; Neoplastic Syndromes, Hereditary; Hereditary Cancer Syndrome; Hereditary neoplastic syndrome. Identifiers: Orphanet 140162, MedGen C0027672, MeSH D009386, MONDO:0015356.

Allele frequency attached by ClinVar (database versions not stated): gnomAD exomes 0.00001.
gnomAD v4.1: 12 of 1,613,910 alleles (0.00074%); highest among the groups gnomAD compares: Non-Finnish European, 0.001%; no homozygotes.

Submissions (5):

Labcorp Genetics (formerly Invitae), Labcorp
Classification: Uncertain significance for Ataxia-telangiectasia syndrome. Last evaluated: 2025-12-22. Review status: criteria provided, single submitter. Criteria: Invitae Variant Classification Sherloc (09022015). Collection method: clinical testing. Allele origin: germline.
Comment: This sequence change replaces glutamic acid, which is acidic and polar, with glycine, which is neutral and non-polar, at codon 1353 of the ATM protein (p.Glu1353Gly). This variant is not present in population databases (gnomAD no frequency). This missense change has been observed in individual(s) with pancreatic cancer (PMID: 35047863). ClinVar contains an entry for this variant (Variation ID: 418032). Invitae Evidence Modeling of protein sequence and biophysical properties (such as structural, functional, and spatial information, amino acid conservation, physicochemical variation, residue mobility, and thermodynamic stability) has been performed for this missense variant. However, the output from this modeling did not meet the statistical confidence thresholds required to predict the impact of this variant on ATM protein function. In summary, the available evidence is currently insufficient to determine the role of this variant in disease. Therefore, it has been classified as a Variant of Uncertain Significance.

Ambry Genetics
Classification: Uncertain significance for Hereditary cancer-predisposing syndrome. Last evaluated: 2025-03-05. Review status: criteria provided, single submitter. Criteria: Ambry Variant Classification Scheme 2023. Collection method: clinical testing. Allele origin: germline.
Comment: The p.E1353G variant (also known as c.4058A>G), located in coding exon 26 of the ATM gene, results from an A to G substitution at nucleotide position 4058. The glutamic acid at codon 1353 is replaced by glycine, an amino acid with similar properties. This alteration was identified in a cohort of pancreatic cancer patients undergoing multigene panel testing (Young EL et al. BMC Cancer, 2018 Jun;18:697). This amino acid position is highly conserved in available vertebrate species. In addition, this alteration is predicted to be deleterious by in silico analysis. Based on the available evidence, the clinical significance of this variant remains unclear.

GeneDx
Classification: Uncertain significance. Last evaluated: 2024-05-31. Review status: criteria provided, single submitter. Criteria: GeneDx Variant Classification Process June 2021. Collection method: clinical testing. Allele origin: germline. Affected: yes.
Comment: Not observed at significant frequency in large population cohorts (gnomAD); In silico analysis supports that this missense variant has a deleterious effect on protein structure/function; Observed in a patient with pancreatic cancer (PMID: 29945567); This variant is associated with the following publications: (PMID: 29945567, 35047863)

Color Diagnostics, LLC DBA Color Health
Classification: Uncertain significance for Hereditary cancer-predisposing syndrome. Last evaluated: 2022-05-16. Review status: criteria provided, single submitter. Criteria: ACMG Guidelines, 2015. Collection method: clinical testing. Allele origin: germline.
Comment: This missense variant replaces glutamic acid with glycine at codon 1353 of the ATM protein. Computational prediction is inconclusive regarding the impact of this variant on protein structure and function (internally defined REVEL score threshold 0.5 < inconclusive < 0.7, PMID: 27666373). To our knowledge, functional studies have not been reported for this variant. This variant has not been reported in individuals affected with hereditary cancer in the literature. This variant has not been identified in the general population by the Genome Aggregation Database (gnomAD). The available evidence is insufficient to determine the role of this variant in disease conclusively. Therefore, this variant is classified as a Variant of Uncertain Significance.

Natera, Inc.
Classification: Uncertain significance for Ataxia-telangiectasia. Last evaluated: 2021-09-27. Review status: no assertion criteria provided. Collection method: clinical testing. Allele origin: germline. Not counted in ClinVar's aggregate classification.

Literature cited by the submitters: PubMed 35047863 (cited by Labcorp Genetics (formerly Invitae), Labcorp); PubMed 29945567 (cited by Ambry Genetics).

NM_000051.4(ATM):c.4058A>G (p.Glu1353Gly)

Gene: ATM (ATM serine/threonine kinase; plus strand). Cytogenetic location: 11q22.3.
Variant type: single nucleotide variant.
Coding change: c.4058A>G on transcript NM_000051.4 (MANE Select); coding-DNA position 4058, A replaced by G.
Protein change: p.Glu1353Gly; replaces glutamic acid 1353 with glycine.
Molecular consequence: missense variant.
Genome position (GRCh38, 1-based): chr11:108,287,664, A>G. VCF-style: chr11-108287664-A-G. GRCh37 (hg19) VCF-style: chr11-108158391-A-G.
Other names: c.4058A>G, p.Glu1353Gly (NM_001351834.2); short protein forms E1353G.
Identifiers: ClinVar variation 418032 (VCV000418032.31), dbSNP rs917721053, ClinGen allele CA16619173.